The following is an entry in ClinVar:

NM_001540.5(HSPB1):c.116C>G (p.Pro39Arg)

Gene: HSPB1 (heat shock protein family B (small) member 1; plus strand). Cytogenetic location: 7q11.23.
Variant type: single nucleotide variant.
Coding change: c.116C>G on transcript NM_001540.5 (MANE Select); coding-DNA position 116, C replaced by G.
Protein change: p.Pro39Arg; replaces proline 39 with arginine.
Molecular consequence: missense variant.
Genome position (GRCh38, 1-based): chr7:76,302,828, C>G. VCF-style: chr7-76302828-C-G. GRCh37 (hg19) VCF-style: chr7-75932145-C-G.
Other names: short protein forms P39R.
Identifiers: ClinVar variation 2884503 (VCV002884503.3), dbSNP rs557327165, ClinGen allele CA160899027.

ClinVar aggregate classification (germline): Likely pathogenic (1 of 4 stars; one submission).

Conditions:
Charcot-Marie-Tooth disease axonal type 2F (CMT2F). Also called: Charcot-Marie-Tooth Neuropathy Type 2F; CHARCOT-MARIE-TOOTH DISEASE, NEURONAL, TYPE 2F. Identifiers: Orphanet 99940, MedGen C1847823, MONDO:0011687, OMIM 606595.

Allele frequency attached by ClinVar (database versions not stated): gnomAD 0.00001.
gnomAD v4.1: 12 of 1,605,376 alleles (0.00075%); highest among the groups gnomAD compares: African/African-American, 0.0013%; no homozygotes.

Submission:

Labcorp Genetics (formerly Invitae), Labcorp
Classification: Likely pathogenic for Charcot-Marie-Tooth disease axonal type 2F. Last evaluated: 2023-03-26. Review status: criteria provided, single submitter. Criteria: Invitae Variant Classification Sherloc (09022015). Collection method: clinical testing. Allele origin: germline.
Comment: In summary, the currently available evidence indicates that the variant is pathogenic, but additional data are needed to prove that conclusively. Therefore, this variant has been classified as Likely Pathogenic. This variant disrupts the p.Pro39 amino acid residue in HSPB1. Other variant(s) that disrupt this residue have been determined to be pathogenic (PMID: 18832141, 22176143, 25965061, 27816334, 28144995, 28595321, 29381233). This suggests that this residue is clinically significant, and that variants that disrupt this residue are likely to be disease-causing. Advanced modeling of protein sequence and biophysical properties (such as structural, functional, and spatial information, amino acid conservation, physicochemical variation, residue mobility, and thermodynamic stability) performed at Invitae indicates that this missense variant is expected to disrupt HSPB1 protein function. This variant has not been reported in the literature in individuals affected with HSPB1-related conditions. This variant is not present in population databases (gnomAD no frequency). This sequence change replaces proline, which is neutral and non-polar, with arginine, which is basic and polar, at codon 39 of the HSPB1 protein (p.Pro39Arg).

Literature cited by the submitters: PubMed 18832141; PubMed 22176143; PubMed 25965061; PubMed 27816334; PubMed 28144995; PubMed 28595321; PubMed 29381233.